The following is an entry in ClinVar:

NM_000053.4(ATP7B):c.2820dup (p.Val941fs)

Gene: ATP7B (ATPase copper transporting beta; minus strand). Cytogenetic location: 13q14.3.
Variant type: Duplication.
Coding change: c.2820dup on transcript NM_000053.4 (MANE Select); coding-DNA position 2820, one base duplicated (T; older notation c.2820dupT).
Protein change: p.Val941fs; shifts the reading frame from valine 941.
Molecular consequence: frameshift variant. On other transcripts: intron variant (6).
Genome position (GRCh38, 1-based): chr13:51,949,707, A duplicated on the plus strand (T on the coding strand, the reverse complement: ATP7B is on the minus strand); the first of 2 consecutive A bases (chr13:51,949,707-51,949,708); duplicating either gives the same sequence. VCF-style (leftmost placement, unchanged base first): chr13-51949706-C-CA. GRCh37 (hg19) VCF-style: chr13-52523842-C-CA.
Other names: c.2487dup, p.Val830fs (NM_001243182.2); c.2586dup, p.Val863fs (NM_001330578.2, NM_001406527.1, NM_001406528.1 and 1 more transcripts); c.2568dup, p.Val857fs (NM_001330579.2, NM_001406531.1, NM_001406532.1 and 1 more transcripts); c.2820dup, p.Val941fs (NM_001406511.1, NM_001406512.1, NM_001406513.1 and 3 more transcripts); c.2787dup, p.Val930fs (NM_001406514.1); c.2724dup, p.Val909fs (NM_001406517.1, NM_001406518.1); c.2676dup, p.Val893fs (NM_001406520.1, NM_001406521.1, NM_001406522.1 and 1 more transcripts); c.2643dup, p.Val882fs (NM_001406524.1); and 12 more; short protein forms V511fs, V725fs, V747fs, V779fs, V798fs, V825fs, V830fs, V831fs.
Identifiers: ClinVar variation 3387591 (VCV003387591.1).

ClinVar aggregate classification (germline): Likely pathogenic (1 of 4 stars; one submission).

Conditions:
Wilson disease (WND). Also called: Wilson's disease. Identifiers: Orphanet 905, MedGen C0019202, MONDO:0010200, OMIM 277900. Disease mechanism: loss of function.

Submission:

All of Us Research Program, National Institutes of Health
Classification: Likely pathogenic for Wilson disease. Last evaluated: 2024-08-06. Review status: criteria provided, single submitter. Criteria: ACMG Guidelines, 2015. Collection method: clinical testing. Allele origin: germline. Inheritance: Autosomal recessive inheritance. Observed: 2 variant alleles, 2 heterozygotes.
Comment: This study involves interpretation of variants in research participants for the purpose of population health screening. Participant phenotype was not available at the time of variant classification. Additional details can be found in publication PMID: 35346344, PMCID: PMC8962531